The following is an entry in ClinVar:

NM_170665.4(ATP2A2):c.2521+10A>G

Gene: ATP2A2 (ATPase sarcoplasmic/endoplasmic reticulum Ca2+ transporting 2; plus strand). Cytogenetic location: 12q24.11.
Variant type: single nucleotide variant.
Coding change: c.2521+10A>G on transcript NM_170665.4 (MANE Select); 10 bases into the intron after coding-DNA position 2521, A replaced by G.
Molecular consequence: intron variant.
Genome position (GRCh38, 1-based): chr12:110,343,444, A>G. VCF-style: chr12-110343444-A-G. GRCh37 (hg19) VCF-style: chr12-110781249-A-G.
Other names: c.2521+10A>G (NM_001413014.1, NM_001681.4); c.2416+10A>G (NM_001413013.1); c.2146+10A>G (NM_001413015.1).
Identifiers: ClinVar variation 3037988 (VCV003037988.2), dbSNP rs772715677, ClinGen allele CA6784120.
Genomic context (GRCh38, chr12:110,343,444, plus strand): 5'-AGGAACCATTGATCAGCGGGTGGCTCTTTTTCCGTTACTTGGCTATTGGCTGTGAGTACA[A>G]TTTTTTTATATTACTGATTTTTAAACAAAATGTTTGTGAGCTGAAATTTTGTAAATTCAT-3'

ClinVar aggregate classification (germline): Likely benign (0 of 4 stars; one submission).

Conditions:
ATP2A2-related disorder. Also called: ATP2A2-related condition; ATP2A2-Related Disorders.

Allele frequency attached by ClinVar (database versions not stated): ExAC 0.00001; TOPMed 0.00001.
gnomAD v4.1: 20 of 1,612,766 alleles (0.0012%); highest among the groups gnomAD compares: Non-Finnish European, 0.0016%; no homozygotes.

Submission:

PreventionGenetics, part of Exact Sciences
Classification: Likely benign for ATP2A2-related condition. Last evaluated: 2019-05-07. Review status: no assertion criteria provided. Collection method: clinical testing. Allele origin: germline.
Comment: This variant is classified as likely benign based on ACMG/AMP sequence variant interpretation guidelines (Richards et al. 2015 PMID: 25741868, with internal and published modifications).